The following is an entry in ClinVar:

ClinVar aggregate classification (germline): Uncertain significance (1 of 4 stars; one submission).

Conditions:
3-methylglutaconic aciduria, type VIIB (MGCA7B). Also called: 3-methylglutaconic aciduria with cataracts, neurologic involvement and neutropenia; CLPB Deficiency; 3-methylglutaconic aciduria, type VII, with cataracts, neurologic involvement and neutropenia. Identifiers: Orphanet 445038, MedGen C5676893, MONDO:0014561, OMIM 616271.

Allele frequency attached by ClinVar (database versions not stated): gnomAD exomes below 0.00001.
gnomAD v4.1: 1 of 1,613,906 alleles (0.000062%); highest among the groups gnomAD compares: Non-Finnish European, 0.000085%; no homozygotes.

Submission:

Labcorp Genetics (formerly Invitae), Labcorp
Classification: Uncertain significance for 3-methylglutaconic aciduria with cataracts, neurologic involvement, and neutropenia. Last evaluated: 2019-12-07. Review status: criteria provided, single submitter. Criteria: Invitae Variant Classification Sherloc (09022015). Collection method: clinical testing. Allele origin: germline.
Comment: This sequence change affects codon 525 of the CLPB mRNA. It is a 'silent' change, meaning that it does not change the encoded amino acid sequence of the CLPB protein. This variant is not present in population databases (ExAC no frequency). This variant has not been reported in the literature in individuals with CLPB-related conditions. Algorithms developed to predict the effect of sequence changes on RNA splicing suggest that this variant may create or strengthen a splice site, but this prediction has not been confirmed by published transcriptional studies. In summary, the available evidence is currently insufficient to determine the role of this variant in disease. Therefore, it has been classified as a Variant of Uncertain Significance.

NM_001258392.3(CLPB):c.1485G>A (p.Leu495=)

Gene: CLPB (ClpB family mitochondrial disaggregase; minus strand). Cytogenetic location: 11q13.4.
Variant type: single nucleotide variant.
Coding change: c.1485G>A on transcript NM_001258392.3 (MANE Select); coding-DNA position 1485, G replaced by A.
Protein change: p.Leu495=; no amino-acid change (leucine 495 retained).
Molecular consequence: synonymous variant.
Genome position (GRCh38, 1-based): chr11:72,295,493, C>T on the plus strand (G>A on the coding strand, the complement: CLPB is on the minus strand). VCF-style: chr11-72295493-C-T. GRCh37 (hg19) VCF-style: chr11-72006537-C-T.
Other names: c.1398G>A, p.Leu466= (NM_001258393.3); c.1440G>A, p.Leu480= (NM_001258394.3); c.1575G>A, p.Leu525= (NM_030813.6).
Identifiers: ClinVar variation 855156 (VCV000855156.1), dbSNP rs1949534031, ClinGen allele CA475606124.